The following is an entry in ClinVar:

NM_152542.5(PPM1K):c.368T>C (p.Phe123Ser)

Gene: PPM1K (protein phosphatase, Mg2+/Mn2+ dependent 1K; minus strand). Cytogenetic location: 4q22.1.
Variant type: single nucleotide variant.
Coding change: c.368T>C on transcript NM_152542.5 (MANE Select); coding-DNA position 368, T replaced by C.
Protein change: p.Phe123Ser; replaces phenylalanine 123 with serine.
Molecular consequence: missense variant.
Genome position (GRCh38, 1-based): chr4:88,278,216, A>G on the plus strand (T>C on the coding strand, the complement: PPM1K is on the minus strand). VCF-style: chr4-88278216-A-G. GRCh37 (hg19) VCF-style: chr4-89199368-A-G.
Other names: short protein forms F123S.
Identifiers: ClinVar variation 4707588 (VCV004707588.1).

ClinVar aggregate classification (germline): Uncertain significance (1 of 4 stars; one submission).

Conditions:
Maple syrup urine disease, mild variant (MSUDMV). Identifiers: Orphanet 511, MedGen C3554575, MONDO:0014057, OMIM 615135.

Submission:

Labcorp Genetics (formerly Invitae), Labcorp
Classification: Uncertain significance for Maple syrup urine disease, mild variant. Last evaluated: 2025-06-24. Review status: criteria provided, single submitter. Criteria: Invitae Variant Classification Sherloc (09022015). Collection method: clinical testing. Allele origin: germline.
Comment: This sequence change replaces phenylalanine, which is neutral and non-polar, with serine, which is neutral and polar, at codon 123 of the PPM1K protein (p.Phe123Ser). This variant is present in population databases (no rsID available, gnomAD 0.0009%). This variant has not been reported in the literature in individuals affected with PPM1K-related conditions. An algorithm developed to predict the effect of missense changes on protein structure and function (PolyPhen-2) suggests that this variant is likely to be disruptive. In summary, the available evidence is currently insufficient to determine the role of this variant in disease. Therefore, it has been classified as a Variant of Uncertain Significance.